The following is an entry in ClinVar:

NM_001128178.3(NPHP1):c.292G>C (p.Gly98Arg)

Gene: NPHP1 (nephrocystin 1; minus strand). Cytogenetic location: 2q13.
Variant type: single nucleotide variant.
Coding change: c.292G>C on transcript NM_001128178.3 (MANE Select); coding-DNA position 292, G replaced by C.
Protein change: p.Gly98Arg; replaces glycine 98 with arginine.
Molecular consequence: missense variant. On other transcripts: intron variant (1).
Genome position (GRCh38, 1-based): chr2:110,178,460, C>G on the plus strand (G>C on the coding strand, the complement: NPHP1 is on the minus strand). VCF-style: chr2-110178460-C-G. GRCh37 (hg19) VCF-style: chr2-110936037-C-G.
Other names: c.292G>C, p.Gly98Arg (NM_000272.5, NM_001374256.1, NM_001374257.1 and 1 more transcripts); c.144-8462G>C (NM_001128179.3); c.292G>C (NM_000272.3); short protein forms G98R.
Identifiers: ClinVar variation 1023353 (VCV001023353.7), dbSNP rs1273570018, ClinGen allele CA348093394.

ClinVar aggregate classification (germline): Uncertain significance. Review status: criteria provided, single submitter (1 of 4 stars). 2 submissions from 2 submitters: Uncertain significance (1). 1 of the submissions does not count toward it. Last evaluated 2021-08-31.

Conditions:
Nephronophthisis. Also called: Juvenile Nephronophthisis. Identifiers: Orphanet 655, MedGen C0687120, MONDO:0019005, HP:0000090.
NPHP1-related disorder. Also called: NPHP1-related condition; NPHP1-related disorders.

Allele frequency attached by ClinVar (database versions not stated): TOPMed 0.00001.

Submissions (2):

Labcorp Genetics (formerly Invitae), Labcorp
Classification: Uncertain significance for Nephronophthisis. Last evaluated: 2021-08-31. Review status: criteria provided, single submitter. Criteria: Invitae Variant Classification Sherloc (09022015). Collection method: clinical testing. Allele origin: germline.
Comment: This sequence change replaces glycine with arginine at codon 98 of the NPHP1 protein (p.Gly98Arg). The glycine residue is weakly conserved and there is a moderate physicochemical difference between glycine and arginine. This variant is not present in population databases (ExAC no frequency). This variant has not been reported in the literature in individuals affected with NPHP1-related conditions. Algorithms developed to predict the effect of missense changes on protein structure and function (SIFT, PolyPhen-2, Align-GVGD) all suggest that this variant is likely to be tolerated. In summary, the available evidence is currently insufficient to determine the role of this variant in disease. Therefore, it has been classified as a Variant of Uncertain Significance.

PreventionGenetics, part of Exact Sciences
Classification: Uncertain significance for NPHP1-related condition. Last evaluated: 2024-08-21. Review status: no assertion criteria provided. Collection method: clinical testing. Allele origin: germline. Not counted in ClinVar's aggregate classification.
Comment: The NPHP1 c.292G>C variant is predicted to result in the amino acid substitution p.Gly98Arg. To our knowledge, this variant has not been reported in the literature or in a large population database, indicating this variant is rare. At this time, the clinical significance of this variant is uncertain due to the absence of conclusive functional and genetic evidence.